The following is an entry in ClinVar:

NM_001609.4(ACADSB):c.1128+22_1128+26del

Gene: ACADSB (acyl-CoA dehydrogenase short/branched chain; plus strand). Cytogenetic location: 10q26.13.
Variant type: Deletion.
Coding change: c.1128+22_1128+26del on transcript NM_001609.4 (MANE Select); bases 22 to 26 of the intron after coding-DNA position 1128, 5 bases deleted (AAAAA; older notation c.1128+22_1128+26delAAAAA).
Molecular consequence: intron variant.
Genome position (GRCh38, 1-based): chr10:123,051,208-123,051,212, AAAAA deleted; deleting any 5 consecutive bases within chr10:123,051,189-123,051,212 gives the same sequence; the c. name uses the placement nearest the transcript's 3' end. VCF-style (leftmost placement, unchanged base first): chr10-123051188-TAAAAA-T. GRCh37 (hg19) VCF-style: chr10-124810704-TAAAAA-T.
Other names: p.?; c.822+22_822+26del (NM_001330174.3).
Identifiers: ClinVar variation 702048 (VCV000702048.5), dbSNP rs10571424, ClinGen allele CA215170718.

ClinVar aggregate classification (germline): Benign/Likely benign. Review status: criteria provided, multiple submitters, no conflicts (2 of 4 stars). 3 submissions from 3 submitters: Benign (1); Likely benign (2). Last evaluated 2025-09-29.

Submissions (3):

Mayo Clinic Laboratories, Mayo Clinic
Classification: Likely benign. Last evaluated: 2025-09-29. Review status: criteria provided, single submitter. Criteria: ACMG Guidelines, 2015. Collection method: clinical testing. Allele origin: germline. Observed: 5 variant alleles.
Comment: BP4, BP7

Laboratory of Genetics, Children's Clinical University Hospital Latvia
Classification: Likely benign. Last evaluated: 2025-02-16. Review status: criteria provided, single submitter. Criteria: ACMG Guidelines, 2015. Collection method: clinical testing. Allele origin: germline. Affected: yes.

Labcorp Genetics (formerly Invitae), Labcorp
Classification: Benign. Last evaluated: 2017-07-24. Review status: criteria provided, single submitter. Criteria: Invitae Variant Classification Sherloc (09022015). Collection method: clinical testing. Allele origin: germline.